The following is an entry in ClinVar:

ClinVar aggregate classification (germline): Uncertain significance (1 of 4 stars; one submission).

Allele frequency attached by ClinVar (database versions not stated): ExAC 0.00001; gnomAD exomes 0.00002; TOPMed 0.00003; gnomAD 0.00005.
gnomAD v4.1: 18 of 1,614,062 alleles (0.0011%); highest among the groups gnomAD compares: Admixed American, 0.03%; no homozygotes.

Submission:

Labcorp Genetics (formerly Invitae), Labcorp
Classification: Uncertain significance. Last evaluated: 2023-12-09. Review status: criteria provided, single submitter. Criteria: Invitae Variant Classification Sherloc (09022015). Collection method: clinical testing. Allele origin: germline.
Comment: This sequence change replaces leucine, which is neutral and non-polar, with proline, which is neutral and non-polar, at codon 531 of the AK7 protein (p.Leu531Pro). This variant is present in population databases (rs774455113, gnomAD 0.01%). This variant has not been reported in the literature in individuals affected with AK7-related conditions. Advanced modeling of protein sequence and biophysical properties (such as structural, functional, and spatial information, amino acid conservation, physicochemical variation, residue mobility, and thermodynamic stability) performed at Invitae indicates that this missense variant is expected to disrupt AK7 protein function with a positive predictive value of 80%. In summary, the available evidence is currently insufficient to determine the role of this variant in disease. Therefore, it has been classified as a Variant of Uncertain Significance.

NM_152327.5(AK7):c.1592T>C (p.Leu531Pro)

Gene: AK7 (adenylate kinase 7; plus strand). Cytogenetic location: 14q32.2.
Variant type: single nucleotide variant.
Coding change: c.1592T>C on transcript NM_152327.5 (MANE Select); coding-DNA position 1592, T replaced by C.
Protein change: p.Leu531Pro; replaces leucine 531 with proline.
Molecular consequence: missense variant.
Genome position (GRCh38, 1-based): chr14:96,478,501, T>C. VCF-style: chr14-96478501-T-C. GRCh37 (hg19) VCF-style: chr14-96944838-T-C.
Other names: c.1523T>C, p.Leu508Pro (NM_001350888.2, NM_001350890.2); c.1514T>C, p.Leu505Pro (NM_001350891.2); c.1394T>C, p.Leu465Pro (NM_001350892.2); short protein forms L531P, L505P, L508P, L465P.
Identifiers: ClinVar variation 2887601 (VCV002887601.2), dbSNP rs774455113, ClinGen allele CA7337902.